The following continues an entry in ClinVar:

NM_000371.4(TTR):c.424G>A (p.Val142Ile)

Gene: TTR. ClinVar aggregate classification (germline): Pathogenic/Likely pathogenic. Pathogenic (40); Likely pathogenic (3).

Submissions 18 to 29 of 54:

Illumina Laboratory Services, Illumina
Classification: Pathogenic for Amyloidosis, hereditary systemic 1. Last evaluated: 2023-12-01. Review status: criteria provided, single submitter. Criteria: ICSLVariantClassificationCriteria RUGD 01 April 2020. Collection method: clinical testing. Allele origin: unknown.
Comment: The TTR c.424G>A p.(Val142Ile) missense variant, also referred to as p.(Val122Ile), has been described as one of the most common pathogenic variants associated with hereditary transthyretin amyloidosis (PMID: 20301373; 26123279). The p.(Val142Ile) variant is generally associated with cardiac amyloidosis with either limited or no significant neurological involvement (PMID: 20435197; 24184229; 25551524; 26537620). However, additional phenotypes have been observed which include gait abnormalities, gastrointestinal and urinary phenotypes, muscle weakness, carpal tunnel syndrome, spinal stenosis, and neurologic features including tingling, numbness, and neuropathic pain (PMID: 25819286; 27386769; 27838833; 31135624; 33467513). Phenotype severity generally increases after the age of 60 and can include congestive heart failure. Penetrance is incomplete and variable by ethnic origin and geographic region (PMID: 20301373). The highest frequency of this allele in the Genome Aggregation Database is 0.01697 in the African/African American population (version 4.0.0). This allele frequency is high but is consistent with disease prevalence estimates in specific populations. Based on the available evidence, the c.424G>A p.(Val142Ile) variant is classified as pathogenic for hereditary transthyretin amyloidosis.

Molecular Diagnostic Laboratory for Inherited Cardiovascular Disease, Montreal Heart Institute
Classification: Pathogenic for Cardiovascular phenotype. Last evaluated: 2023-11-21. Review status: criteria provided, single submitter. Criteria: ACMG Guidelines, 2015. Collection method: clinical testing. Allele origin: germline. Affected: yes.
Comment: PS3, PS4, PP1_strong, PP3, PP5, BS1

Clinical Genomics Laboratory, Stanford Medicine
Classification: Pathogenic for Amyloidosis, hereditary systemic 1. Last evaluated: 2023-06-05. Review status: criteria provided, single submitter. Criteria: ACMG Guidelines, 2015. Collection method: clinical testing. Allele origin: germline. Inheritance: Autosomal dominant inheritance. Affected: yes. Observed: 1 variant allele, 1 heterozygote.
Comment: The p.Val142Ile variant in the TTR gene, also referred to as V122I, is one of the most common pathogenic variants associated with hereditary transthyretin amyloidosis and is predominantly identified in individuals of African descent (Jacobson et al., 1997; Yamashita et al., 2005; Sekijima, 2021). This variant is associated with cardiac amyloidosis typically presenting as restrictive cardiomyopathy in the 7- 8th decade of life. The true penetrance of p.Val142Ile is unknown; however, this variant is associated with increased rates of heart failure and lower overall survival (Buxbaum et al., 2010; Chandrashekar et al., 2021; Kozlitina et al., 2022). Individuals who are homozygous for p.Val142Ile manifest symptoms at an earlier age than heterozygotes (Reddi et al., 2014). This variant has been identified in 405/24,968 African/African American chromosomes (435/282,792 chromosomes overall) by the Genome Aggregation Database. This variant is present in ClinVar (Variation ID: 13426). Multiple functional studies have demonstrated that this variant results in reduced tetramer stability and increased amyloid fibril formation (Jiang et al., 2001; Askanas et al., 2003). Computational tools predict that the p.Val142Ile variant is deleterious; however, the accuracy of in silico algorithms is limited. These data were assessed using the ACMG/AMP variant interpretation guidelines. In summary, there is sufficient evidence to classify the p.Val142Ile variant as pathogenic for autosomal dominant hereditary transthyretin amyloidosis based on the information above. [ACMG evidence codes used: PS3; PS4; PP3]

CHEO Genetics Diagnostic Laboratory, Children's Hospital of Eastern Ontario
Classification: Pathogenic for Cardiomyopathy. Last evaluated: 2023-05-30. Review status: criteria provided, single submitter. Criteria: ACMG Guidelines, 2015. Collection method: clinical testing. Allele origin: germline.

Mayo Clinic Laboratories, Mayo Clinic
Classification: Pathogenic. Last evaluated: 2023-01-07. Review status: criteria provided, single submitter. Criteria: ACMG Guidelines, 2015. Collection method: clinical testing. Allele origin: germline. Observed: 204 variant alleles.

Variantyx, Inc.
Classification: Pathogenic for Amyloidosis, hereditary systemic 1. Last evaluated: 2022-11-07. Review status: criteria provided, single submitter. Criteria: Variantyx Assertion Criteria 2022. Collection method: clinical testing. Allele origin: germline. Inheritance: Autosomal dominant inheritance. Affected: yes.
Comment: This is a nonsynonymous variant in the TTR gene (OMIM 176300). Heterozygous pathogenic variants in this gene are associated with autosomal dominant hereditary transthyretin-related amyloidosis. This is an established founder variant in the African population, with an allele frequency of >3% in African Americans (PMID: 9017939, 26123279). It has been observed in individuals with transthyretin-related amyloidosis in both the homozygous and the heterozygous state (PMID: 25846356, 24184229, 12050338, 19781421, 22745357) (PS4). Functional studies have shown that this variant alters TTR protein function (PMID: 11752443, 12874414, 15820680, 17503405, 22184092, 24474780) (PS3). Multiple computational algorithms predict a deleterious effect for this substitution (PP3). This variant has a 1.654% maximum allele frequency in non-founder control populations. Based on current evidence, this variant is classified as pathogenic for autosomal dominant hereditary transthyretin-related amyloidosis.

Institute of Immunology and Genetics Kaiserslautern
Classification: Pathogenic for Amyloidosis, hereditary systemic 1. Last evaluated: 2022-10-12. Review status: criteria provided, single submitter. Criteria: ACMG Guidelines, 2015. Collection method: clinical testing. Allele origin: paternal.
Comment: ACMG Criteria: PS3, PS4, PM5_P, PP3, PP5; Variant was found in heterozygous state.

Laboratorio de Genetica e Diagnostico Molecular, Hospital Israelita Albert Einstein
Classification: Pathogenic for Amyloidosis, hereditary systemic 1. Last evaluated: 2022-09-16. Review status: criteria provided, single submitter. Criteria: ACMG Guidelines, 2015. Collection method: clinical testing. Allele origin: germline. Affected: yes.
Comment: ACMG classification criteria: PS3 strong, PS4 strong, PP1 strong

New York Genome Center
Classification: Pathogenic for Amyloidosis, hereditary systemic 1. Last evaluated: 2022-08-23. Review status: criteria provided, single submitter. Criteria: NYGC Assertion Criteria 2020. Collection method: clinical testing. Allele origin: germline. Affected: yes. Observed: 2 heterozygotes. Clinical features observed: Cardiomyopathy (HP:0001638), Aortic root aneurysm (HP:0002616), Prolonged QT interval (HP:0001657), Postural tremor (HP:0002174). Study: CSER-NYCKidSeq.
Comment: The c.424G>A variant in TTR is an established pathogenic variant in individuals of African American ancestry with hereditary transthyretin (ATTR) amyloidosis related cardiomyopathy as it has been reported in 10% of African Americans older than age 65 with severe congestive heart failure [PMID: 28102864], and it has been deposited in ClinVar [ClinVar ID: 13426] as Pathogenic for hereditary transthyretin amyloidosis related cardiomyopathy by multiple submitters. The c.424G>A variant is observed almost exclusively in individuals of African American ancestry (~1.5% minor allele frequency) in population databases (gnomAD v2.1.1 and v3.1.2), suggesting it being a founder mutation for this population. The c.424G>A variant is located in the exon 4 of this 4-exon gene and replaces an evolutionarily conserved valine amino acid with isoleucine at position 142 of the encoded protein (p.Val142Ile) (also known as p.Val122Ile based on nomenclature for the circulating protein after N-terminal peptide cleavage) [PMIDs: 2646319, 2349941]. Functional studies demonstrated that the p.(Val142Ile) variant confer amyloidogenic properties via causing conformational changes and reducing the stability of the physiologic TTR tetramer [PMIDs: 17503405, 18276611]. Based on available evidence this c.424G>A p.Val142Ile variant identified in TTR is classified as Pathogenic.

Department of Pathology and Laboratory Medicine, Sinai Health System
Classification: Pathogenic for Amyloidosis, hereditary systemic 1. Last evaluated: 2022-06-20. Review status: criteria provided, single submitter. Criteria: ACMG Guidelines, 2015. Collection method: research. Allele origin: germline.

AiLife Diagnostics
Classification: Pathogenic. Last evaluated: 2022-03-24. Review status: criteria provided, single submitter. Criteria: ACMG Guidelines, 2015. Collection method: clinical testing. Allele origin: germline. Affected: yes. Observed: 59 variant alleles.

Dasa
Classification: Pathogenic for Amyloidosis, hereditary systemic 1. Last evaluated: 2022-01-05. Review status: criteria provided, single submitter. Criteria: ACMG Guidelines, 2015. Collection method: clinical testing. Allele origin: germline. Affected: yes. Observed: 6 variant alleles.
Comment: The c.424G>A;p.(Val142Ile) missense variant has been observed in affected individual(s) and ClinVar contains an entry for this variant (ClinVar ID: 13426; OMIM: 176300.0009; PMID: 12874414; PMID: 25551524; PMID: 30938420; PMID: 31359320; PMID: 27720586; PMID: 26123279; PMID:11752443) - PS4. Well-established in vitro or in vivo functional studies support a damaging effect on the gene or gene product (PMID: 12874414, 27758856, 27720586, 11752443) - PS3. The variant is located in a mutational hot spot and/or critical and well-established functional domain (TR_THY domain) - PM1. and allele frequency is greater than expected for disorder -BS1. In summary, the currently available evidence indicates that the variant is pathogenic.